The following is an entry in ClinVar:

NM_052947.4(ALPK2):c.1387C>T (p.Pro463Ser)

Gene: ALPK2 (alpha kinase 2; minus strand). Cytogenetic location: 18q21.31.
Variant type: single nucleotide variant.
Coding change: c.1387C>T on transcript NM_052947.4 (MANE Select); coding-DNA position 1387, C replaced by T.
Protein change: p.Pro463Ser; replaces proline 463 with serine.
Molecular consequence: missense variant.
Genome position (GRCh38, 1-based): chr18:58,579,389, G>A on the plus strand (C>T on the coding strand, the complement: ALPK2 is on the minus strand). VCF-style: chr18-58579389-G-A. GRCh37 (hg19) VCF-style: chr18-56246621-G-A.
Other names: short protein forms P463S.
Identifiers: ClinVar variation 1771433 (VCV001771433.2), dbSNP rs2051942283, ClinGen allele CA402563248.

ClinVar aggregate classification (germline): Uncertain significance (1 of 4 stars; one submission).

Submission:

Ambry Genetics
Classification: Uncertain significance. Last evaluated: 2022-02-05. Review status: criteria provided, single submitter. Criteria: Ambry Variant Classification Scheme 2023. Collection method: clinical testing. Allele origin: germline.
Comment: The p.P463S variant (also known as c.1387C>T), located in coding exon 3 of the ALPK2 gene, results from a C to T substitution at nucleotide position 1387. The proline at codon 463 is replaced by serine, an amino acid with similar properties. This amino acid position is conserved. In addition, this alteration is predicted to be tolerated by in silico analysis. Since supporting evidence is limited at this time, the clinical significance of this alteration remains unclear.